The following is an entry in ClinVar:

NM_000081.4(LYST):c.*1499G>T

Gene: LYST (lysosomal trafficking regulator; minus strand). Cytogenetic location: 1q42.3.
Variant type: single nucleotide variant.
Coding change: c.*1499G>T on transcript NM_000081.4 (MANE Select); 1499 bases downstream of the stop codon, G replaced by T.
Molecular consequence: 3 prime UTR variant.
Genome position (GRCh38, 1-based): chr1:235,661,441, C>A on the plus strand (G>T on the coding strand, the complement: LYST is on the minus strand). VCF-style: chr1-235661441-C-A. GRCh37 (hg19) VCF-style: chr1-235824741-C-A.
Other names: c.*1499G>T (NM_001301365.1).
Identifiers: ClinVar variation 873714 (VCV000873714.4), dbSNP rs116830281, ClinGen allele CA16083017.

ClinVar aggregate classification (germline): Benign (1 of 4 stars; one submission).

Conditions:
Chédiak-Higashi syndrome (CHS). Also called: Chediak-Higashi Syndrome. Identifiers: Orphanet 167, MedGen C0007965, MONDO:0008963, OMIM 214500.

Allele frequency attached by ClinVar (database versions not stated): gnomAD 0.00917; 1000 Genomes Project 0.00938; 1000 Genomes Project 30x 0.00984; TOPMed 0.01057.

Submission:

Illumina Laboratory Services, Illumina
Classification: Benign for Chédiak-Higashi syndrome. Last evaluated: 2018-01-13. Review status: criteria provided, single submitter. Criteria: ICSL Variant Classification Criteria 13 December 2019. Collection method: clinical testing. Allele origin: germline.
Comment: This variant was observed in the ICSL laboratory as part of a predisposition screen in an ostensibly healthy population. It had not been previously curated by ICSL or reported in the Human Gene Mutation Database (HGMD: prior to June 1st, 2018), and was therefore a candidate for classification through an automated scoring system. Utilizing variant allele frequency, disease prevalence and penetrance estimates, and inheritance mode, an automated score was calculated to assess if this variant is too frequent to cause the disease. Based on the score and internal cut-off values, a variant classified as benign is not then subjected to further curation. The score for this variant resulted in a classification of benign for this disease.